The following is an entry in ClinVar:

ClinVar aggregate classification (germline): Uncertain significance. Review status: criteria provided, multiple submitters, no conflicts (2 of 4 stars). 2 submissions from 2 submitters: Uncertain significance (2). Last evaluated 2025-01-17.

Conditions:
Familial hypobetalipoproteinemia 1. Also called: APOB-Related Familial Hypobetalipoproteinemia; Hypobetalipoproteinemia, normotriglyceridemic; Acanthocytosis with hypobetalipoproteinemia. Identifiers: MedGen C4551990, MONDO:0014252, OMIM 615558.
Hypercholesterolemia, autosomal dominant, type B (FHCL2). Also called: Familial Hypercholesterolemia Type B; APOLIPOPROTEIN B-100, FAMILIAL DEFECTIVE; APOLIPOPROTEIN B-100, FAMILIAL LIGAND-DEFECTIVE; HYPERCHOLESTEROLEMIA, FAMILIAL, DUE TO LIGAND-DEFECTIVE APOLIPOPROTEIN B; Hyperlipoproteinemia Type IIb; Familial hypercholesterolemia 2. Identifiers: MedGen C1704417, MONDO:0007751, OMIM 144010.

Submissions (2):

GeneDx
Classification: Uncertain significance. Last evaluated: 2025-01-17. Review status: criteria provided, single submitter. Criteria: GeneDx Variant Classification Process June 2021. Collection method: clinical testing. Allele origin: germline. Affected: yes.
Comment: In silico analysis supports that this missense variant has a deleterious effect on protein structure/function; Has not been previously published as pathogenic or benign to our knowledge

Labcorp Genetics (formerly Invitae), Labcorp
Classification: Uncertain significance for Familial hypobetalipoproteinemia 1; Hypercholesterolemia, autosomal dominant, type B. Last evaluated: 2023-05-05. Review status: criteria provided, single submitter. Criteria: Invitae Variant Classification Sherloc (09022015). Collection method: clinical testing. Allele origin: germline.
Comment: In summary, the available evidence is currently insufficient to determine the role of this variant in disease. Therefore, it has been classified as a Variant of Uncertain Significance. Advanced modeling of protein sequence and biophysical properties (such as structural, functional, and spatial information, amino acid conservation, physicochemical variation, residue mobility, and thermodynamic stability) performed at Invitae indicates that this missense variant is not expected to disrupt APOB protein function. This variant has not been reported in the literature in individuals affected with APOB-related conditions. This variant is not present in population databases (gnomAD no frequency). This sequence change replaces serine, which is neutral and polar, with cysteine, which is neutral and slightly polar, at codon 2544 of the APOB protein (p.Ser2544Cys).

NM_000384.3(APOB):c.7630A>T (p.Ser2544Cys)

Gene: APOB (apolipoprotein B; minus strand). Cytogenetic location: 2p24.1.
Variant type: single nucleotide variant.
Coding change: c.7630A>T on transcript NM_000384.3 (MANE Select); coding-DNA position 7630, A replaced by T.
Protein change: p.Ser2544Cys; replaces serine 2544 with cysteine.
Molecular consequence: missense variant.
Genome position (GRCh38, 1-based): chr2:21,009,238, T>A on the plus strand (A>T on the coding strand, the complement: APOB is on the minus strand). VCF-style: chr2-21009238-T-A. GRCh37 (hg19) VCF-style: chr2-21232110-T-A.
Other names: c.7630A>T (NM_000384.2); short protein forms S2544C.
Identifiers: ClinVar variation 2947464 (VCV002947464.4), dbSNP rs2465368419, ClinGen allele CA345996702.